The following is an entry in ClinVar:

ClinVar aggregate classification (germline): Uncertain significance. Review status: criteria provided, multiple submitters, no conflicts (2 of 4 stars). 2 submissions from 2 submitters: Uncertain significance (2). Last evaluated 2021-11-09.

Conditions:
Distal hereditary motor neuropathy type 2. Identifiers: Orphanet 139525, MedGen C3711384, MeSH C580044, MONDO:0015352.

Allele frequency attached by ClinVar (database versions not stated): gnomAD exomes below 0.00001 and 0.00001; TOPMed 0.00001; gnomAD 0.00001.
gnomAD v4.1: 14 of 1,611,218 alleles (0.00087%); highest among the groups gnomAD compares: Admixed American, 0.0017%; no homozygotes.

Submissions (2):

Ambry Genetics
Classification: Uncertain significance. Last evaluated: 2021-11-09. Review status: criteria provided, single submitter. Criteria: Ambry Variant Classification Scheme 2023. Collection method: clinical testing. Allele origin: germline.
Comment: The p.A137T variant (also known as c.409G>A), located in coding exon 3 of the FBXO38 gene, results from a G to A substitution at nucleotide position 409. The alanine at codon 137 is replaced by threonine, an amino acid with similar properties. This amino acid position is highly conserved in available vertebrate species. In addition, this alteration is predicted to be tolerated by in silico analysis. Since supporting evidence is limited at this time, the clinical significance of this alteration remains unclear.

Labcorp Genetics (formerly Invitae), Labcorp
Classification: Uncertain significance for Distal hereditary motor neuropathy type 2. Last evaluated: 2020-05-07. Review status: criteria provided, single submitter. Criteria: Invitae Variant Classification Sherloc (09022015). Collection method: clinical testing. Allele origin: germline.
Comment: In summary, the available evidence is currently insufficient to determine the role of this variant in disease. Therefore, it has been classified as a Variant of Uncertain Significance. Algorithms developed to predict the effect of missense changes on protein structure and function are either unavailable or do not agree on the potential impact of this missense change (SIFT: "Deleterious"; PolyPhen-2: "Probably Damaging"; Align-GVGD: "Class C0"). This variant has not been reported in the literature in individuals with FBXO38-related disease. This variant is not present in population databases (ExAC no frequency). This sequence change replaces alanine with threonine at codon 137 of the FBXO38 protein (p.Ala137Thr). The alanine residue is moderately conserved and there is a small physicochemical difference between alanine and threonine.

NM_205836.3(FBXO38):c.409G>A (p.Ala137Thr)

Gene: FBXO38 (F-box protein 38; plus strand). Cytogenetic location: 5q32.
Variant type: single nucleotide variant.
Coding change: c.409G>A on transcript NM_205836.3 (MANE Select); coding-DNA position 409, G replaced by A.
Protein change: p.Ala137Thr; replaces alanine 137 with threonine.
Molecular consequence: missense variant.
Genome position (GRCh38, 1-based): chr5:148,402,128, G>A. VCF-style: chr5-148402128-G-A. GRCh37 (hg19) VCF-style: chr5-147781691-G-A.
Other names: c.409G>A, p.Ala137Thr (NM_001271723.2, NM_030793.5); short protein forms A137T.
Identifiers: ClinVar variation 645520 (VCV000645520.14), dbSNP rs749305250, ClinGen allele CA128968636.